The following is an entry in ClinVar:

NM_198525.3(KIF7):c.2375C>A (p.Ala792Glu)

Gene: KIF7 (kinesin family member 7; minus strand). Cytogenetic location: 15q26.1.
Variant type: single nucleotide variant.
Coding change: c.2375C>A on transcript NM_198525.3 (MANE Select); coding-DNA position 2375, C replaced by A.
Protein change: p.Ala792Glu; replaces alanine 792 with glutamic acid.
Molecular consequence: missense variant.
Genome position (GRCh38, 1-based): chr15:89,642,222, G>T on the plus strand (C>A on the coding strand, the complement: KIF7 is on the minus strand). VCF-style: chr15-89642222-G-T. GRCh37 (hg19) VCF-style: chr15-90185453-G-T.
Other names: short protein forms A792E.
Identifiers: ClinVar variation 4694511 (VCV004694511.1).

ClinVar aggregate classification (germline): Uncertain significance (1 of 4 stars; one submission).

Conditions:
Acrocallosal syndrome (ACLS). Also called: HALLUX DUPLICATION, POSTAXIAL POLYDACTYLY, AND ABSENCE OF CORPUS CALLOSUM; Schinzel syndrome 1; Absence of corpus callosum with unusual facial appearance, mental deficiency, duplication of the halluces and polydactyly. Identifiers: Orphanet 36, MedGen C0796147, MONDO:0008708, OMIM 200990.

gnomAD v4.1: 4 of 1,610,134 alleles (0.00025%); highest among the groups gnomAD compares: Non-Finnish European, 0.00034%; no homozygotes.

Submission:

Labcorp Genetics (formerly Invitae), Labcorp
Classification: Uncertain significance for Acrocallosal syndrome. Last evaluated: 2025-12-08. Review status: criteria provided, single submitter. Criteria: Invitae Variant Classification Sherloc (09022015). Collection method: clinical testing. Allele origin: germline.
Comment: This sequence change replaces alanine, which is neutral and non-polar, with glutamic acid, which is acidic and polar, at codon 792 of the KIF7 protein (p.Ala792Glu). This variant is present in population databases (rs375985448, gnomAD 0.002%). This variant has not been reported in the literature in individuals affected with KIF7-related conditions. Invitae Evidence Modeling of protein sequence and biophysical properties (such as structural, functional, and spatial information, amino acid conservation, physicochemical variation, residue mobility, and thermodynamic stability) indicates that this missense variant is not expected to disrupt KIF7 protein function with a negative predictive value of 80%. In summary, the available evidence is currently insufficient to determine the role of this variant in disease. Therefore, it has been classified as a Variant of Uncertain Significance.